The following is an entry in ClinVar:

ClinVar aggregate classification (germline): Likely benign. Review status: criteria provided, single submitter (1 of 4 stars). 2 submissions from 2 submitters: Likely benign (1). 1 of the submissions does not count toward it. Last evaluated 2018-05-24.

Conditions:
Nemaline myopathy 2 (NEM2). Also called: Nemaline myopathy 2, autosomal recessive. Identifiers: MedGen C1850569, MONDO:0009725, OMIM 256030.

Submissions (2):

GeneDx
Classification: Likely benign. Last evaluated: 2018-05-24. Review status: criteria provided, single submitter. Criteria: GeneDx Variant Classification (06012015). Collection method: clinical testing. Allele origin: germline. Affected: yes.
Comment: This variant is considered likely benign or benign based on one or more of the following criteria: it is a conservative change, it occurs at a poorly conserved position in the protein, it is predicted to be benign by multiple in silico algorithms, and/or has population frequency not consistent with disease.

Natera, Inc.
Classification: Uncertain significance for Nemaline myopathy type 2. Last evaluated: 2020-01-24. Review status: no assertion criteria provided. Collection method: clinical testing. Allele origin: germline. Not counted in ClinVar's aggregate classification.

NM_001164508.2(NEB):c.13615G>A (p.Asp4539Asn)

Gene: NEB (nebulin; minus strand). Cytogenetic location: 2q23.3.
Variant type: single nucleotide variant.
Coding change: c.13615G>A on transcript NM_001164508.2 (MANE Select); coding-DNA position 13615, G replaced by A.
Protein change: p.Asp4539Asn; replaces aspartic acid 4539 with asparagine.
Molecular consequence: missense variant. On other transcripts: intron variant (1).
Genome position (GRCh38, 1-based): chr2:151,600,615, C>T on the plus strand (G>A on the coding strand, the complement: NEB is on the minus strand). VCF-style: chr2-151600615-C-T. GRCh37 (hg19) VCF-style: chr2-152457129-C-T.
Other names: c.13615G>A, p.Asp4539Asn (NM_001164507.2, NM_001271208.2); c.11601+9194G>A (NM_004543.5); short protein forms D4539N.
Identifiers: ClinVar variation 669092 (VCV000669092.2), dbSNP rs1578802735, ClinGen allele CA348768701.